The following is an entry in ClinVar:

ClinVar aggregate classification (germline): Uncertain significance (1 of 4 stars; one submission).

Conditions:
Nemaline myopathy 2 (NEM2). Also called: Nemaline myopathy 2, autosomal recessive. Identifiers: MedGen C1850569, MONDO:0009725, OMIM 256030.

Allele frequency attached by ClinVar (database versions not stated): TOPMed below 0.00001.
gnomAD v4.1: 2 of 1,613,866 alleles (0.00012%); highest among the groups gnomAD compares: South Asian, 0.0011%; no homozygotes.

Submission:

Labcorp Genetics (formerly Invitae), Labcorp
Classification: Uncertain significance for Nemaline myopathy 2. Last evaluated: 2022-06-12. Review status: criteria provided, single submitter. Criteria: Invitae Variant Classification Sherloc (09022015). Collection method: clinical testing. Allele origin: germline.
Comment: This sequence change replaces serine, which is neutral and polar, with asparagine, which is neutral and polar, at codon 3124 of the NEB protein (p.Ser3124Asn). The frequency data for this variant in the population databases is considered unreliable, as metrics indicate poor data quality at this position in the gnomAD database. This variant has not been reported in the literature in individuals affected with NEB-related conditions. Algorithms developed to predict the effect of missense changes on protein structure and function are either unavailable or do not agree on the potential impact of this missense change (SIFT: "Tolerated"; PolyPhen-2: "Not Available"; Align-GVGD: "Class C0"). In summary, the available evidence is currently insufficient to determine the role of this variant in disease. Therefore, it has been classified as a Variant of Uncertain Significance.

NM_001164508.2(NEB):c.9371G>A (p.Ser3124Asn)

Gene: NEB (nebulin; minus strand). Cytogenetic location: 2q23.3.
Variant type: single nucleotide variant.
Coding change: c.9371G>A on transcript NM_001164508.2 (MANE Select); coding-DNA position 9371, G replaced by A.
Protein change: p.Ser3124Asn; replaces serine 3124 with asparagine.
Molecular consequence: missense variant. On other transcripts: intron variant (1).
Genome position (GRCh38, 1-based): chr2:151,633,697, C>T on the plus strand (G>A on the coding strand, the complement: NEB is on the minus strand). VCF-style: chr2-151633697-C-T. GRCh37 (hg19) VCF-style: chr2-152490211-C-T.
Other names: c.9371G>A, p.Ser3124Asn (NM_001164507.2, NM_001271208.2); c.8854-2519G>A (NM_004543.5); short protein forms S3124N.
Identifiers: ClinVar variation 1924279 (VCV001924279.2), dbSNP rs748600035, ClinGen allele CA1909344.